The following is an entry in ClinVar:

NM_004655.4(AXIN2):c.1207G>T (p.Glu403Ter)

Gene: AXIN2 (axin 2; minus strand). Cytogenetic location: 17q24.1.
Variant type: single nucleotide variant.
Coding change: c.1207G>T on transcript NM_004655.4 (MANE Select); coding-DNA position 1207, G replaced by T.
Protein change: p.Glu403Ter; replaces glutamic acid 403 with a stop codon.
Molecular consequence: nonsense.
Genome position (GRCh38, 1-based): chr17:65,537,829, C>A on the plus strand (G>T on the coding strand, the complement: AXIN2 is on the minus strand). VCF-style: chr17-65537829-C-A. GRCh37 (hg19) VCF-style: chr17-63533947-C-A.
Other names: c.1207G>T, p.Glu403Ter (NM_001363813.1); short protein forms E403*.
Identifiers: ClinVar variation 4875866 (VCV004875866.1).

ClinVar aggregate classification (germline): Pathogenic (1 of 4 stars; one submission).

Conditions:
Oligodontia-cancer predisposition syndrome. Also called: TOOTH AGENESIS-COLORECTAL CANCER SYNDROME. Identifiers: Orphanet 300576, MedGen C1837750, MONDO:0012075, OMIM 608615. Disease mechanism: loss of function.

Submission:

Myriad Genetics, Inc.
Classification: Pathogenic for Oligodontia-cancer predisposition syndrome. Last evaluated: 2026-06-02. Review status: criteria provided, single submitter. Criteria: Myriad Autosomal Dominant, Autosomal Recessive and X-Linked Classification Criteria (2023). Collection method: clinical testing. Allele origin: unknown.
Comment: This variant is considered pathogenic. This variant creates a termination codon and is predicted to result in premature protein truncation.